The following is an entry in ClinVar:

NM_001323289.2(CDKL5):c.1874T>G (p.Leu625Trp)

Gene: CDKL5 (cyclin dependent kinase like 5; plus strand). Cytogenetic location: Xp22.13.
Variant type: single nucleotide variant.
Coding change: c.1874T>G on transcript NM_001323289.2 (MANE Select); coding-DNA position 1874, T replaced by G.
Protein change: p.Leu625Trp; replaces leucine 625 with tryptophan.
Molecular consequence: missense variant.
Genome position (GRCh38, 1-based): chrX:18,604,798, T>G. VCF-style: chrX-18604798-T-G. GRCh37 (hg19) VCF-style: chrX-18622918-T-G.
Other names: c.1874T>G, p.Leu625Trp (NM_001037343.2, NM_003159.3); short protein forms L625W.
Identifiers: ClinVar variation 2009295 (VCV002009295.4), dbSNP rs2518875628, ClinGen allele CA412363481.
Genomic context (GRCh38, chrX:18,604,798, plus strand): 5'-AGCAACGTCCTCATAGGCATTCTATGTATGTGACCCGTGACAAAGTGAGAGCCAAGGGCT[T>G]GGATGGAAGCTTGAGCATAGGGCAAGGGATGGCAGCTAGAGCCAACAGCCTGCAACTCTT-3'
Protein context (NP_001310218.1, residues 615-635): VTRDKVRAKG[Leu625Trp]DGSLSIGQGM

ClinVar aggregate classification (germline): Uncertain significance (1 of 4 stars; one submission).

Conditions:
Developmental and epileptic encephalopathy, 2 (DEE2). Also called: INFANTILE SPASM SYNDROME, X-LINKED 2; CDKL5 deficiency disorder. Identifiers: Orphanet 1934, Orphanet 3451, Orphanet 505652, MedGen C4750718, MONDO:0010396, OMIM 300672.
Angelman syndrome-like. Identifiers: MedGen CN128785.

Submission:

Labcorp Genetics (formerly Invitae), Labcorp
Classification: Uncertain significance for Developmental and epileptic encephalopathy, 2; Angelman syndrome-like. Last evaluated: 2022-08-05. Review status: criteria provided, single submitter. Criteria: Invitae Variant Classification Sherloc (09022015). Collection method: clinical testing. Allele origin: germline.
Comment: In summary, the available evidence is currently insufficient to determine the role of this variant in disease. Therefore, it has been classified as a Variant of Uncertain Significance. Algorithms developed to predict the effect of sequence changes on RNA splicing suggest that this variant may disrupt the consensus splice site. Advanced modeling of protein sequence and biophysical properties (such as structural, functional, and spatial information, amino acid conservation, physicochemical variation, residue mobility, and thermodynamic stability) performed at Invitae indicates that this missense variant is not expected to disrupt CDKL5 protein function. This variant has not been reported in the literature in individuals affected with CDKL5-related conditions. This variant is not present in population databases (gnomAD no frequency). This sequence change replaces leucine, which is neutral and non-polar, with tryptophan, which is neutral and slightly polar, at codon 625 of the CDKL5 protein (p.Leu625Trp).